The following is an entry in ClinVar:

NM_001253697.2(ERBIN):c.3439C>A (p.Pro1147Thr)

Gene: ERBIN (erbb2 interacting protein; plus strand). Cytogenetic location: 5q12.3.
Variant type: single nucleotide variant.
Coding change: c.3439C>A on transcript NM_001253697.2 (MANE Select); coding-DNA position 3439, C replaced by A.
Protein change: p.Pro1147Thr; replaces proline 1147 with threonine.
Molecular consequence: missense variant.
Genome position (GRCh38, 1-based): chr5:66,054,757, C>A. VCF-style: chr5-66054757-C-A. GRCh37 (hg19) VCF-style: chr5-65350585-C-A.
Other names: c.3439C>A, p.Pro1147Thr (NM_001006600.3, NM_001253698.2, NM_001253699.2 and 1 more transcripts); c.3427C>A, p.Pro1143Thr (NM_001253701.2); short protein forms P1143T, P1147T.
Identifiers: ClinVar variation 1425503 (VCV001425503.8), dbSNP rs376856725, ClinGen allele CA359869833.
Genomic context (GRCh38, chr5:66,054,757, plus strand): 5'-CTTTCTGCACGAACATACAGCATAGATGGTCCAAATGCATCAAGACCTCAGAGTGCTCGA[C>A]CCTCTATTAATGAAATACCAGAGAGAACTATGTCAGTTAGTGATTTCAATTATTCACGGA-3'
Protein context (NP_001240626.1, residues 1137-1157): PNASRPQSAR[Pro1147Thr]SINEIPERTM

ClinVar aggregate classification (germline): Uncertain significance (1 of 4 stars; one submission).

Submission:

Labcorp Genetics (formerly Invitae), Labcorp
Classification: Uncertain significance. Last evaluated: 2024-05-06. Review status: criteria provided, single submitter. Criteria: Invitae Variant Classification Sherloc (09022015). Collection method: clinical testing. Allele origin: germline.
Comment: This sequence change replaces proline, which is neutral and non-polar, with threonine, which is neutral and polar, at codon 1147 of the ERBIN protein (p.Pro1147Thr). This variant is not present in population databases (gnomAD no frequency). This variant has not been reported in the literature in individuals affected with ERBIN-related conditions. ClinVar contains an entry for this variant (Variation ID: 1425503). An algorithm developed to predict the effect of missense changes on protein structure and function (PolyPhen-2) suggests that this variant is likely to be disruptive. In summary, the available evidence is currently insufficient to determine the role of this variant in disease. Therefore, it has been classified as a Variant of Uncertain Significance.